The following is an entry in ClinVar:

ClinVar aggregate classification (germline): Uncertain significance (1 of 4 stars; one submission).

Conditions:
Malignant hyperthermia, susceptibility to, 1 (MHS1). Also called: Anesthesia related hyperthermia; Malignant hyperpyrexia; Fulminating hyperpyrexia; Pharmacogenic myopathy; RYR1-Related Malignant Hyperthermia Susceptibility; Malignant hyperthermia suceptibility 1. Identifiers: Orphanet 423, MedGen C2930980, MONDO:0007783, OMIM 145600.

Submission:

All of Us Research Program, National Institutes of Health
Classification: Uncertain significance for Malignant hyperthermia, susceptibility to, 1. Last evaluated: 2023-12-18. Review status: criteria provided, single submitter. Criteria: ACMG Guidelines, 2015. Collection method: clinical testing. Allele origin: germline. Inheritance: Autosomal dominant inheritance. Observed: 1 variant allele, 1 heterozygote.
Comment: This missense variant replaces alanine with threonine at codon 4143 of the RYR1 protein. Computational prediction suggests that this variant may have deleterious impact on protein structure and function (internally defined REVEL score threshold >= 0.7, PMID: 27666373). To our knowledge, functional studies have not been reported for this variant. This variant has not been reported in individuals affected with RYR1-related disorders in the literature. This variant has not been identified in the general population by the Genome Aggregation Database (gnomAD). The available evidence is insufficient to determine the role of this variant in disease conclusively. Therefore, this variant is classified as a Variant of Uncertain Significance.

This study involves interpretation of variants in research participants for the purpose of population health screening. Participant phenotype was not available at the time of variant classification. Additional details can be found in publication PMID: 35346344, PMCID: PMC8962531

NM_000540.3(RYR1):c.12427G>A (p.Ala4143Thr)

Gene: RYR1 (ryanodine receptor 1; plus strand). Cytogenetic location: 19q13.2.
Variant type: single nucleotide variant.
Coding change: c.12427G>A on transcript NM_000540.3 (MANE Select); coding-DNA position 12427, G replaced by A.
Protein change: p.Ala4143Thr; replaces alanine 4143 with threonine.
Molecular consequence: missense variant.
Genome position (GRCh38, 1-based): chr19:38,561,257, G>A. VCF-style: chr19-38561257-G-A. GRCh37 (hg19) VCF-style: chr19-39051897-G-A.
Other names: c.12412G>A, p.Ala4138Thr (NM_001042723.2); short protein forms A4138T, A4143T.
Identifiers: ClinVar variation 3075072 (VCV003075072.1), dbSNP rs2514652966, ClinGen allele CA405668814.